The following is an entry in ClinVar:

ClinVar aggregate classification (germline): Likely benign. Review status: criteria provided, multiple submitters, no conflicts (2 of 4 stars). 3 submissions from 3 submitters: Likely benign (3). Last evaluated 2024-03-02.

Conditions:
Cardiovascular phenotype. Identifiers: MedGen CN230736.

Allele frequency attached by ClinVar (database versions not stated): gnomAD exomes 0.00001; gnomAD 0.00002; TOPMed 0.00002; ExAC 0.00005.
gnomAD v4.1: 17 of 1,550,368 alleles (0.0011%); highest among the groups gnomAD compares: South Asian, 0.011%; no homozygotes.

Submissions (3):

Labcorp Genetics (formerly Invitae), Labcorp
Classification: Likely benign. Last evaluated: 2024-03-02. Review status: criteria provided, single submitter. Criteria: Invitae Variant Classification Sherloc (09022015). Collection method: clinical testing. Allele origin: germline.

Ambry Genetics
Classification: Likely benign for Cardiovascular phenotype. Last evaluated: 2021-07-12. Review status: criteria provided, single submitter. Criteria: Ambry Variant Classification Scheme 2023. Collection method: clinical testing. Allele origin: germline.

GeneDx
Classification: Likely benign. Last evaluated: 2017-05-31. Review status: criteria provided, single submitter. Criteria: GeneDx Variant Classification (06012015). Collection method: clinical testing. Allele origin: germline. Affected: yes.
Comment: This variant is considered likely benign or benign based on one or more of the following criteria: it is a conservative change, it occurs at a poorly conserved position in the protein, it is predicted to be benign by multiple in silico algorithms, and/or has population frequency not consistent with disease.

NM_001367624.2(ZNF469):c.4155C>T (p.Leu1385=)

Gene: ZNF469 (zinc finger protein 469; plus strand). Cytogenetic location: 16q24.2.
Variant type: single nucleotide variant.
Coding change: c.4155C>T on transcript NM_001367624.2 (MANE Select); coding-DNA position 4155, C replaced by T.
Protein change: p.Leu1385=; no amino-acid change (leucine 1385 retained).
Molecular consequence: synonymous variant.
Genome position (GRCh38, 1-based): chr16:88,431,625, C>T. VCF-style: chr16-88431625-C-T. GRCh37 (hg19) VCF-style: chr16-88498033-C-T.
Other names: NM_001127464.1:c.4071C>T.
Identifiers: ClinVar variation 509788 (VCV000509788.6), dbSNP rs747930231, ClinGen allele CA8224919.
Genomic context (GRCh38, chr16:88,431,625, plus strand): 5'-GGTTCCAGTTGCCAAAAAGGGGCCTCAGCCCTACAGCAGCCCCCACAGTGAGTTGTTCCT[C>T]GGACCCAAAGACCTGGCTGGCTGTTTCCTGGAAGAACTGCACCCCAAGCCCTCAGCCAGG-3'
Protein context (NP_001354553.1, residues 1375-1395): PYSSPHSELF[Leu1385=]GPKDLAGCFL